The following is an entry in ClinVar:

ClinVar aggregate classification (germline): Pathogenic/Likely pathogenic. Review status: criteria provided, multiple submitters, no conflicts (2 of 4 stars). 3 submissions from 3 submitters: Pathogenic (1); Likely pathogenic (1). 1 of the submissions does not count toward it. Last evaluated 2022-12-18.

Conditions:
Combined oxidative phosphorylation defect type 13. Also called: Combined oxidative phosphorylation deficiency 13. Identifiers: Orphanet 319514, MedGen C4706283, MONDO:0013977, OMIM 614932.

Allele frequency attached by ClinVar (database versions not stated): gnomAD 0.00001; TOPMed 0.00001.
gnomAD v4.1: 44 of 1,608,756 alleles (0.0027%); highest among the groups gnomAD compares: Non-Finnish European, 0.0036%; no homozygotes.

Submissions (3):

Labcorp Genetics (formerly Invitae), Labcorp
Classification: Likely pathogenic. Last evaluated: 2022-12-18. Review status: criteria provided, single submitter. Criteria: Invitae Variant Classification Sherloc (09022015). Collection method: clinical testing. Allele origin: germline.
Comment: In summary, the currently available evidence indicates that the variant is pathogenic, but additional data are needed to prove that conclusively. Therefore, this variant has been classified as Likely Pathogenic. Studies have shown that this missense change alters PNPT1 gene expression (PMID: 27759031). Advanced modeling of protein sequence and biophysical properties (such as structural, functional, and spatial information, amino acid conservation, physicochemical variation, residue mobility, and thermodynamic stability) performed at Invitae indicates that this missense variant is expected to disrupt PNPT1 protein function. ClinVar contains an entry for this variant (Variation ID: 253224). This missense change has been observed in individual(s) with combined oxidative phosphorylation deficiency (PMID: 27759031). It has also been observed to segregate with disease in related individuals. This variant is not present in population databases (gnomAD no frequency). This sequence change replaces alanine, which is neutral and non-polar, with proline, which is neutral and non-polar, at codon 510 of the PNPT1 protein (p.Ala510Pro).

Baylor-Hopkins Center for Mendelian Genomics, Johns Hopkins University School of Medicine
Classification: Pathogenic for Combined oxidative phosphorylation defect type 13. Review status: criteria provided, single submitter. Criteria: Submitter's publication. Collection method: research. Allele origin: germline. Affected: yes.

OMIM
Classification: Pathogenic for COMBINED OXIDATIVE PHOSPHORYLATION DEFICIENCY 13. Last evaluated: 2022-07-11. Review status: no assertion criteria provided. Collection method: literature only. Allele origin: germline. Not counted in ClinVar's aggregate classification.

Literature cited by the submitters: PubMed 27759031 (cited by Labcorp Genetics (formerly Invitae), Labcorp and OMIM).

NM_033109.5(PNPT1):c.1528G>C (p.Ala510Pro)

Gene: PNPT1 (polyribonucleotide nucleotidyltransferase 1; minus strand). Cytogenetic location: 2p16.1.
Variant type: single nucleotide variant.
Coding change: c.1528G>C on transcript NM_033109.5 (MANE Select); coding-DNA position 1528, G replaced by C.
Protein change: p.Ala510Pro; replaces alanine 510 with proline.
Molecular consequence: missense variant.
Genome position (GRCh38, 1-based): chr2:55,647,421, C>G on the plus strand (G>C on the coding strand, the complement: PNPT1 is on the minus strand). VCF-style: chr2-55647421-C-G. GRCh37 (hg19) VCF-style: chr2-55874556-C-G.
Other names: short protein forms A510P.
Identifiers: ClinVar variation 253224 (VCV000253224.8), dbSNP rs879255657, ClinGen allele CA10586243.